The following is an entry in ClinVar:

ClinVar aggregate classification (germline): Benign. Review status: criteria provided, multiple submitters, no conflicts (2 of 4 stars). 3 submissions from 3 submitters: Benign (2). 1 of the submissions does not count toward it. Last evaluated 2018-08-14.

Conditions:
MUC16-related disorder. Also called: MUC16-related condition.

Allele frequency attached by ClinVar (database versions not stated): gnomAD 0.01550 and 0.01648; TOPMed 0.01765; gnomAD exomes 0.00414 and 0.00180; ESP Exome Variant Server 0.01681; ExAC 0.00503; 1000 Genomes Project 0.01697; 1000 Genomes Project 30x 0.01796.

Submissions (3):

Labcorp Genetics (formerly Invitae), Labcorp
Classification: Benign. Last evaluated: 2018-08-14. Review status: criteria provided, single submitter. Criteria: Invitae Variant Classification Sherloc (09022015). Collection method: clinical testing. Allele origin: germline.

Breakthrough Genomics
Classification: Benign. Review status: criteria provided, single submitter. Criteria: ACMG Guidelines, 2015. Collection method: not provided. Allele origin: germline. Inheritance: Unknown mechanism. Affected: yes.

PreventionGenetics, part of Exact Sciences
Classification: Benign for MUC16-related condition. Last evaluated: 2019-03-25. Review status: no assertion criteria provided. Collection method: clinical testing. Allele origin: germline. Not counted in ClinVar's aggregate classification.
Comment: This variant is classified as benign based on ACMG/AMP sequence variant interpretation guidelines (Richards et al. 2015 PMID: 25741868, with internal and published modifications).

NM_001401501.2(MUC16):c.4461C>T (p.Pro1487=)

Gene: MUC16 (mucin 16, cell surface associated; minus strand). Cytogenetic location: 19p13.2.
Variant type: single nucleotide variant.
Coding change: c.4461C>T on transcript NM_001401501.2 (MANE Select); coding-DNA position 4461, C replaced by T.
Protein change: p.Pro1487=; no amino-acid change (proline 1487 retained).
Molecular consequence: synonymous variant.
Genome position (GRCh38, 1-based): chr19:8,976,798, G>A on the plus strand (C>T on the coding strand, the complement: MUC16 is on the minus strand). VCF-style: chr19-8976798-G-A. GRCh37 (hg19) VCF-style: chr19-9087474-G-A.
Other names: c.4887C>T, p.Pro1629= (NM_001414686.1); c.4341C>T, p.Pro1447= (NM_001414687.1, NM_024690.2).
Identifiers: ClinVar variation 781434 (VCV000781434.6), dbSNP rs116485406, ClinGen allele CA9172833.